The following is an entry in ClinVar:

ClinVar aggregate classification (germline): Likely benign (0 of 4 stars; one submission).

Conditions:
RIMS3-related disorder. Also called: RIMS3-related condition.

Allele frequency attached by ClinVar (database versions not stated): gnomAD exomes 0.00001; ExAC 0.00002; TOPMed 0.00002; gnomAD 0.00003.
gnomAD v4.1: 11 of 1,612,792 alleles (0.00068%); highest among the groups gnomAD compares: African/African-American, 0.008%; no homozygotes.

Submission:

PreventionGenetics, part of Exact Sciences
Classification: Likely benign for RIMS3-related condition. Last evaluated: 2022-12-16. Review status: no assertion criteria provided. Collection method: clinical testing. Allele origin: germline.
Comment: This variant is classified as likely benign based on ACMG/AMP sequence variant interpretation guidelines (Richards et al. 2015 PMID: 25741868, with internal and published modifications).

NM_014747.3(RIMS3):c.351C>T (p.Ser117=)

Gene: RIMS3 (regulating synaptic membrane exocytosis 3; minus strand). Cytogenetic location: 1p34.2.
Variant type: single nucleotide variant.
Coding change: c.351C>T on transcript NM_014747.3 (MANE Select); coding-DNA position 351, C replaced by T.
Protein change: p.Ser117=; no amino-acid change (serine 117 retained).
Molecular consequence: synonymous variant.
Genome position (GRCh38, 1-based): chr1:40,635,924, G>A on the plus strand (C>T on the coding strand, the complement: RIMS3 is on the minus strand). VCF-style: chr1-40635924-G-A. GRCh37 (hg19) VCF-style: chr1-41101596-G-A.
Identifiers: ClinVar variation 3029043 (VCV003029043.2), dbSNP rs751181648, ClinGen allele CA793879.